The following is an entry in ClinVar:

NM_006662.3(SRCAP):c.9173A>T (p.Asp3058Val)

Gene: SRCAP (Snf2 related CREBBP activator protein; plus strand). Cytogenetic location: 16p11.2.
Variant type: single nucleotide variant.
Coding change: c.9173A>T on transcript NM_006662.3 (MANE Select); coding-DNA position 9173, A replaced by T.
Protein change: p.Asp3058Val; replaces aspartic acid 3058 with valine.
Molecular consequence: missense variant.
Genome position (GRCh38, 1-based): chr16:30,739,213, A>T. VCF-style: chr16-30739213-A-T. GRCh37 (hg19) VCF-style: chr16-30750534-A-T.
Other names: short protein forms D3058V.
Identifiers: ClinVar variation 3667382 (VCV003667382.2).

ClinVar aggregate classification (germline): Uncertain significance (1 of 4 stars; one submission).

Submission:

Labcorp Genetics (formerly Invitae), Labcorp
Classification: Uncertain significance. Last evaluated: 2025-01-29. Review status: criteria provided, single submitter. Criteria: Invitae Variant Classification Sherloc (09022015). Collection method: clinical testing. Allele origin: germline.
Comment: This sequence change replaces aspartic acid, which is acidic and polar, with valine, which is neutral and non-polar, at codon 3058 of the SRCAP protein (p.Asp3058Val). This variant is not present in population databases (gnomAD no frequency). This variant has not been reported in the literature in individuals affected with SRCAP-related conditions. Invitae Evidence Modeling of protein sequence and biophysical properties (such as structural, functional, and spatial information, amino acid conservation, physicochemical variation, residue mobility, and thermodynamic stability) indicates that this missense variant is not expected to disrupt SRCAP protein function with a negative predictive value of 80%. In summary, the available evidence is currently insufficient to determine the role of this variant in disease. Therefore, it has been classified as a Variant of Uncertain Significance.